The following is an entry in ClinVar:

ClinVar aggregate classification (germline): Likely benign. Review status: criteria provided, multiple submitters, no conflicts (2 of 4 stars). 3 submissions from 3 submitters: Likely benign (3). Last evaluated 2026-01-01.

Conditions:
Supravalvar aortic stenosis (SVAS). Also called: Supravalvar aortic stenosis, Eisenberg type. Identifiers: Orphanet 3193, MedGen C0003499, MONDO:0008504, OMIM 185500, HP:0004381.

Allele frequency attached by ClinVar (database versions not stated): gnomAD 0.00002; ESP Exome Variant Server 0.00008; TOPMed 0.00010.
gnomAD v4.1: 32 of 1,613,988 alleles (0.002%); highest among the groups gnomAD compares: Admixed American, 0.04%; no homozygotes.

Submissions (3):

CeGaT Center for Human Genetics Tuebingen
Classification: Likely benign. Last evaluated: 2026-01-01. Review status: criteria provided, single submitter. Criteria: CeGaT Center For Human Genetics Tuebingen Variant Classification Criteria Version 2. Collection method: clinical testing. Allele origin: germline. Affected: yes. Observed: 1 variant allele.
Comment: ELN: BP4, BP7

Labcorp Genetics (formerly Invitae), Labcorp
Classification: Likely benign for Supravalvar aortic stenosis. Last evaluated: 2025-12-18. Review status: criteria provided, single submitter. Criteria: Invitae Variant Classification Sherloc (09022015). Collection method: clinical testing. Allele origin: germline.

Blueprint Genetics
Classification: Likely benign. Last evaluated: 2024-11-15. Review status: criteria provided, single submitter. Criteria: ACMG Guidelines, 2015. Collection method: clinical testing. Allele origin: germline.

NM_000501.4(ELN):c.1950C>T (p.Leu650=)

Gene: ELN (elastin; plus strand). Cytogenetic location: 7q11.23.
Variant type: single nucleotide variant.
Coding change: c.1950C>T on transcript NM_000501.4 (MANE Select); coding-DNA position 1950, C replaced by T.
Protein change: p.Leu650=; no amino-acid change (leucine 650 retained).
Molecular consequence: synonymous variant.
Genome position (GRCh38, 1-based): chr7:74,063,652, C>T. VCF-style: chr7-74063652-C-T. GRCh37 (hg19) VCF-style: chr7-73477982-C-T.
Other names: c.1863C>T, p.Leu621= (NM_001081752.3); c.1908C>T, p.Leu636= (NM_001081753.3); c.1965C>T, p.Leu655= (NM_001081754.3); c.1893C>T, p.Leu631= (NM_001081755.3); c.1950C>T, p.Leu650= (NM_001278912.2); c.1707C>T, p.Leu569= (NM_001278913.2); c.1878C>T, p.Leu626= (NM_001278914.2); c.1968C>T, p.Leu656= (NM_001278915.2); and 4 more.
Identifiers: ClinVar variation 697266 (VCV000697266.15), dbSNP rs373342218, ClinGen allele CA4293314.
Genomic context (GRCh38, chr7:74,063,652, plus strand): 5'-CGGAGTCTAATGCTCAGCTGTCTCCACAGGCCTAGTGGGAGCCGCTGGGCTCGGAGGACT[C>T]GGAGTCGGAGGGCTTGGAGTTCCAGGTGTTGGGGGCCTTGGAGGTGAGAGTTGTTCTGAA-3'
Protein context (NP_000492.2, residues 640-660): GLVGAAGLGG[Leu650=]GVGGLGVPGV